The following is an entry in ClinVar:

ClinVar aggregate classification (germline): Uncertain significance. Review status: criteria provided, multiple submitters, no conflicts (2 of 4 stars). 3 submissions from 3 submitters: Uncertain significance (3). Last evaluated 2025-11-26.

Conditions:
Hereditary breast ovarian cancer syndrome. Also called: Hereditary breast and/or ovarian cancer syndrome; Hereditary breast and ovarian cancer syndrome; Hereditary breast and ovarian cancer; Hereditary breast and ovarian cancer syndrome (HBOC); Breast and ovarian cancer; BRCA1- and BRCA2-Associated Hereditary Breast and Ovarian Cancer. Identifiers: Orphanet 145, MedGen C0677776, MeSH D061325, MONDO:0003582. Disease mechanism: loss of function.
Hereditary cancer-predisposing syndrome. Also called: Hereditary neoplastic syndrome; Neoplastic Syndromes, Hereditary; Tumor predisposition; Hereditary Cancer Syndrome. Identifiers: Orphanet 140162, MedGen C0027672, MeSH D009386, MONDO:0015356.

Submissions (3):

Labcorp Genetics (formerly Invitae), Labcorp
Classification: Uncertain significance for Hereditary breast ovarian cancer syndrome. Last evaluated: 2025-11-26. Review status: criteria provided, single submitter. Criteria: Invitae Variant Classification Sherloc (09022015). Collection method: clinical testing. Allele origin: germline.
Comment: This sequence change replaces glutamine, which is neutral and polar, with histidine, which is basic and polar, at codon 1401 of the BRCA1 protein (p.Gln1401His). This variant is not present in population databases (gnomAD no frequency). This variant has not been reported in the literature in individuals affected with BRCA1-related conditions. ClinVar contains an entry for this variant (Variation ID: 941274). Invitae Evidence Modeling of protein sequence and biophysical properties (such as structural, functional, and spatial information, amino acid conservation, physicochemical variation, residue mobility, and thermodynamic stability) indicates that this missense variant is expected to disrupt BRCA1 protein function with a positive predictive value of 80%. In summary, the available evidence is currently insufficient to determine the role of this variant in disease. Therefore, it has been classified as a Variant of Uncertain Significance.

Ambry Genetics
Classification: Uncertain significance for Hereditary cancer-predisposing syndrome. Last evaluated: 2025-05-11. Review status: criteria provided, single submitter. Criteria: Ambry Variant Classification Scheme 2023. Collection method: clinical testing. Allele origin: germline.
Comment: The p.Q1401H variant (also known as c.4203A>T), located in coding exon 11 of the BRCA1 gene, results from an A to T substitution at nucleotide position 4203. The glutamine at codon 1401 is replaced by histidine, an amino acid with highly similar properties. This amino acid position is well conserved in available vertebrate species. In addition, the in silico prediction for this alteration is inconclusive. Since supporting evidence is limited at this time, the clinical significance of this alteration remains unclear.

Quest Diagnostics Nichols Institute San Juan Capistrano
Classification: Uncertain significance. Last evaluated: 2021-06-29. Review status: criteria provided, single submitter. Criteria: Quest Diagnostics criteria. Collection method: clinical testing. Allele origin: unknown.

NM_007294.4(BRCA1):c.4203A>T (p.Gln1401His)

Gene: BRCA1 (BRCA1 DNA repair associated; minus strand). Cytogenetic location: 17q21.31.
Variant type: single nucleotide variant.
Coding change: c.4203A>T on transcript NM_007294.4 (MANE Select); coding-DNA position 4203, A replaced by T.
Protein change: p.Gln1401His; replaces glutamine 1401 with histidine.
Molecular consequence: missense variant. On other transcripts: non-coding transcript variant (1).
Genome position (GRCh38, 1-based): chr17:43,082,558, T>A on the plus strand (A>T on the coding strand, the complement: BRCA1 is on the minus strand). VCF-style: chr17-43082558-T-A. GRCh37 (hg19) VCF-style: chr17-41234575-T-A.
Other names: c.3990A>T, p.Gln1330His (NM_001407571.1, NM_001407853.1, NM_001407894.1 and 12 more transcripts); c.4203A>T, p.Gln1401His (NM_001407581.1, NM_001407582.1, NM_001407583.1 and 23 more transcripts); c.4200A>T, p.Gln1400His (NM_001407587.1, NM_001407590.1, NM_001407591.1 and 21 more transcripts); c.4197A>T, p.Gln1399His (NM_001407627.1, NM_001407628.1, NM_001407629.1 and 5 more transcripts); c.4191A>T, p.Gln1397His (NM_001407646.1, NM_001407647.1); c.4080A>T, p.Gln1360His (NM_001407648.1, NM_001407664.1, NM_001407665.1 and 13 more transcripts); c.4077A>T, p.Gln1359His (NM_001407649.1, NM_001407670.1, NM_001407671.1 and 12 more transcripts); c.4125A>T, p.Gln1375His (NM_001407653.1, NM_001407654.1, NM_001407655.1 and 2 more transcripts); and 51 more; short protein forms Q298H, Q1354H, Q1401H, Q1352H, Q1360H, Q1399H, Q256H, Q258H.
Identifiers: ClinVar variation 941274 (VCV000941274.15), dbSNP rs2053067871, ClinGen allele CA10593313.